The following is an entry in ClinVar:

ClinVar aggregate classification (germline): Uncertain significance. Review status: criteria provided, multiple submitters, no conflicts (2 of 4 stars). 2 submissions from 2 submitters: Uncertain significance (2). Last evaluated 2025-02-11.

Conditions:
RASopathy. Also called: rasopathies; Noonan spectrum disorder. Identifiers: Orphanet 536391, MedGen C5555857, MONDO:0021060.
Cardiovascular phenotype. Identifiers: MedGen CN230736.

Allele frequency attached by ClinVar (database versions not stated): gnomAD exomes below 0.00001; ExAC 0.00001.
gnomAD v4.1: 5 of 1,614,198 alleles (0.00031%); highest among the groups gnomAD compares: South Asian, 0.0022%; no homozygotes.

Submissions (2):

Labcorp Genetics (formerly Invitae), Labcorp
Classification: Uncertain significance for RASopathy. Last evaluated: 2025-02-11. Review status: criteria provided, single submitter. Criteria: Invitae Variant Classification Sherloc (09022015). Collection method: clinical testing. Allele origin: germline.
Comment: This sequence change replaces proline, which is neutral and non-polar, with leucine, which is neutral and non-polar, at codon 779 of the CBL protein (p.Pro779Leu). This variant is present in population databases (rs765208946, gnomAD 0.003%). This variant has not been reported in the literature in individuals affected with CBL-related conditions. ClinVar contains an entry for this variant (Variation ID: 2540798). Invitae Evidence Modeling of protein sequence and biophysical properties (such as structural, functional, and spatial information, amino acid conservation, physicochemical variation, residue mobility, and thermodynamic stability) has been performed for this missense variant. However, the output from this modeling did not meet the statistical confidence thresholds required to predict the impact of this variant on CBL protein function. In summary, the available evidence is currently insufficient to determine the role of this variant in disease. Therefore, it has been classified as a Variant of Uncertain Significance.

Ambry Genetics
Classification: Uncertain significance for Cardiovascular phenotype. Last evaluated: 2024-11-28. Review status: criteria provided, single submitter. Criteria: Ambry Variant Classification Scheme 2023. Collection method: clinical testing. Allele origin: germline.
Comment: The p.P779L variant (also known as c.2336C>T), located in coding exon 15 of the CBL gene, results from a C to T substitution at nucleotide position 2336. The proline at codon 779 is replaced by leucine, an amino acid with similar properties. This amino acid position is conserved. In addition, the in silico prediction for this alteration is inconclusive. Based on the available evidence, the clinical significance of this variant remains unclear.

NM_005188.4(CBL):c.2336C>T (p.Pro779Leu)

Gene: CBL (Cbl proto-oncogene; plus strand). Cytogenetic location: 11q23.3.
Variant type: single nucleotide variant.
Coding change: c.2336C>T on transcript NM_005188.4 (MANE Select); coding-DNA position 2336, C replaced by T.
Protein change: p.Pro779Leu; replaces proline 779 with leucine.
Molecular consequence: missense variant.
Genome position (GRCh38, 1-based): chr11:119,298,442, C>T. VCF-style: chr11-119298442-C-T. GRCh37 (hg19) VCF-style: chr11-119169152-C-T.
Other names: short protein forms P779L.
Identifiers: ClinVar variation 2540798 (VCV002540798.4), dbSNP rs765208946, ClinGen allele CA6318754.
Genomic context (GRCh38, chr11:119,298,442, plus strand): 5'-ATGCCAACACTGGTCCCGAGGAGTCAGAAAATGAGGATGATGGGTATGATGTCCCAAAGC[C>T]ACCTGTGCCGGCCGTGCTGGCCCGCCGAACTCTCTCAGATATCTCTAATGCCAGCTCCTC-3'
Protein context (NP_005179.2, residues 769-789): NEDDGYDVPK[Pro779Leu]PVPAVLARRT